The following is an entry in ClinVar:

NM_005263.5(GFI1):c.1102C>T (p.His368Tyr)

Genes: GFI1 (growth factor independent 1 transcriptional repressor; minus strand), LOC129930930 (ATAC-STARR-seq lymphoblastoid active region 1314; plus strand). Cytogenetic location: 1p22.1.
Variant type: single nucleotide variant.
Coding change: c.1102C>T on transcript NM_005263.5 (MANE Select); coding-DNA position 1102, C replaced by T.
Protein change: p.His368Tyr; replaces histidine 368 with tyrosine.
Molecular consequence: missense variant.
Genome position (GRCh38, 1-based): chr1:92,476,196, G>A on the plus strand (C>T on the coding strand, the complement: GFI1 is on the minus strand). VCF-style: chr1-92476196-G-A. GRCh37 (hg19) VCF-style: chr1-92941753-G-A.
Other names: c.1102C>T, p.His368Tyr (NM_001127215.3, NM_001127216.3); short protein forms H368Y.
Identifiers: ClinVar variation 4029399 (VCV004029399.1).

ClinVar aggregate classification (germline): Uncertain significance (1 of 4 stars; one submission).

Submission:

Ambry Genetics
Classification: Uncertain significance. Last evaluated: 2025-04-17. Review status: criteria provided, single submitter. Criteria: Ambry Variant Classification Scheme 2023. Collection method: clinical testing. Allele origin: germline.
Comment: The p.H368Y variant (also known as c.1102C>T), located in coding exon 6 of the GFI1 gene, results from a C to T substitution at nucleotide position 1102. The histidine at codon 368 is replaced by tyrosine, an amino acid with similar properties. This amino acid position is conserved. In addition, this alteration is predicted to be tolerated by in silico analysis. Based on the available evidence, the clinical significance of this variant remains unclear.